The following is an entry in ClinVar:

ClinVar aggregate classification (germline): Uncertain significance (1 of 4 stars; one submission).

Conditions:
Hereditary cancer-predisposing syndrome. Also called: Tumor predisposition; Neoplastic Syndromes, Hereditary; Hereditary neoplastic syndrome; Hereditary Cancer Syndrome. Identifiers: Orphanet 140162, MedGen C0027672, MeSH D009386, MONDO:0015356.

Submission:

Ambry Genetics
Classification: Uncertain significance for Hereditary cancer-predisposing syndrome. Last evaluated: 2025-06-27. Review status: criteria provided, single submitter. Criteria: Ambry Variant Classification Scheme 2023. Collection method: clinical testing. Allele origin: germline.
Comment: The c.1264delA variant, located in coding exon 2 of the MET gene, results from a deletion of one nucleotide at nucleotide position 1264, causing a translational frameshift with a predicted alternate stop codon (p.T422Qfs*18). This alteration is expected to result in protein truncation or nonsense-mediated mRNA decay. However, loss of function of MET has not been established as a mechanism of disease. Based on the available evidence, the clinical significance of this alteration remains unclear.

NM_000245.4(MET):c.1264del (p.Thr422fs)

Gene: MET (MET proto-oncogene, receptor tyrosine kinase; plus strand). Cytogenetic location: 7q31.2.
Variant type: Deletion.
Coding change: c.1264del on transcript NM_000245.4 (MANE Select); coding-DNA position 1264, one base deleted (A; older notation c.1264delA).
Protein change: p.Thr422fs; shifts the reading frame from threonine 422.
Molecular consequence: frameshift variant. On other transcripts: 5 prime UTR variant (1).
Genome position (GRCh38, 1-based): chr7:116,731,731, A deleted. VCF-style (leftmost placement, unchanged base first): chr7-116731730-CA-C. GRCh37 (hg19) VCF-style: chr7-116371784-CA-C.
Other names: c.1264del, p.Thr422fs (NM_001127500.3, NM_001324401.3); c.-27del (NM_001324402.2); short protein forms T422fs.
Identifiers: ClinVar variation 4106731 (VCV004106731.1).
Genomic context (GRCh38, chr7:116,731,730, plus strand): 5'-ACTTCTGAGAAATTCATCAGGCTGTGAAGCGCGCCGTGATGAATATCGAACAGAGTTTAC[CA>C]CAGCTTTGCAGCGCGTTGACTTATTCATGGGTCAATTCAGCGAAGTCCTCTTAACATCTA-3'